The following is an entry in ClinVar:

ClinVar aggregate classification (germline): Likely benign (1 of 4 stars; one submission).

Allele frequency attached by ClinVar (database versions not stated): gnomAD exomes below 0.00001.
gnomAD v4.1: 2 of 1,460,798 alleles (0.00014%); highest among the groups gnomAD compares: Non-Finnish European, 0.00018%; no homozygotes.

Submission:

GeneDx
Classification: Likely benign. Last evaluated: 2013-07-30. Review status: criteria provided, single submitter. Criteria: GeneDx Variant Classification (06012015). Collection method: clinical testing. Allele origin: germline. Affected: yes.
Comment: This variant is considered likely benign or benign based on one or more of the following criteria: it is a conservative change, it occurs at a poorly conserved position in the protein, it is predicted to be benign by multiple in silico algorithms, and/or has population frequency not consistent with disease.

NM_017882.3(CLN6):c.-5C>T

Gene: CLN6 (CLN6 transmembrane ER protein; minus strand). Cytogenetic location: 15q23.
Variant type: single nucleotide variant.
Coding change: c.-5C>T on transcript NM_017882.3 (MANE Select); 5 bases upstream of the start codon, C replaced by T.
Molecular consequence: 5 prime UTR variant.
Genome position (GRCh38, 1-based): chr15:68,229,589, G>A on the plus strand (C>T on the coding strand, the complement: CLN6 is on the minus strand). VCF-style: chr15-68229589-G-A. GRCh37 (hg19) VCF-style: chr15-68521927-G-A.
Identifiers: ClinVar variation 205158 (VCV000205158.1), dbSNP rs796052347, ClinGen allele CA313948.